The following is an entry in ClinVar:

ClinVar aggregate classification (germline): Pathogenic (1 of 4 stars; one submission).

Submission:

Labcorp Genetics (formerly Invitae), Labcorp
Classification: Pathogenic. Last evaluated: 2020-03-29. Review status: criteria provided, single submitter. Criteria: Invitae Variant Classification Sherloc (09022015). Collection method: clinical testing. Allele origin: germline.
Comment: For these reasons, this variant has been classified as Pathogenic. Loss-of-function variants in HPS3 are known to be pathogenic (PMID: 11590544). This variant has not been reported in the literature in individuals with HPS3-related conditions. This variant is not present in population databases (ExAC no frequency). This sequence change creates a premature translational stop signal (p.Val272Glyfs*9) in the HPS3 gene. It is expected to result in an absent or disrupted protein product.

Literature cited by the submitters: PubMed 11590544.

NM_032383.5(HPS3):c.814_815insGA (p.Val272fs)

Gene: HPS3 (HPS3 biogenesis of lysosomal organelles complex 2 subunit 1; plus strand). Cytogenetic location: 3q24.
Variant type: Insertion.
Coding change: c.814_815insGA on transcript NM_032383.5 (MANE Select); coding-DNA positions 814 to 815, GA inserted.
Protein change: p.Val272fs; shifts the reading frame from valine 272.
Molecular consequence: frameshift variant.
Genome position: GRCh38 VCF-style: chr3-149141118-G-GGA. GRCh37 (hg19) VCF-style: chr3-148858905-G-GGA.
Other names: c.319_320insGA, p.Val107fs (NM_001308258.2); short protein forms V107fs, V272fs.
Identifiers: ClinVar variation 1069431 (VCV001069431.7), dbSNP rs2108129996, ClinGen allele CA2499216549.